The following is an entry in ClinVar:

ClinVar aggregate classification (germline): Likely benign (1 of 4 stars; one submission).

gnomAD v4.1: 1 of 1,611,384 alleles (0.000062%); highest among the groups gnomAD compares: South Asian, 0.0011%; no homozygotes.

Submission:

GeneDx
Classification: Likely benign. Last evaluated: 2018-05-04. Review status: criteria provided, single submitter. Criteria: GeneDx Variant Classification (06012015). Collection method: clinical testing. Allele origin: germline. Affected: yes.
Comment: This variant is considered likely benign or benign based on one or more of the following criteria: it is a conservative change, it occurs at a poorly conserved position in the protein, it is predicted to be benign by multiple in silico algorithms, and/or has population frequency not consistent with disease.

NM_017636.4(TRPM4):c.2779-14A>G

Gene: TRPM4 (transient receptor potential cation channel subfamily M member 4; plus strand). Cytogenetic location: 19q13.33.
Variant type: single nucleotide variant.
Coding change: c.2779-14A>G on transcript NM_017636.4 (MANE Select); 14 bases into the intron before coding-DNA position 2779, A replaced by G.
Molecular consequence: intron variant.
Genome position (GRCh38, 1-based): chr19:49,200,597, A>G. VCF-style: chr19-49200597-A-G. GRCh37 (hg19) VCF-style: chr19-49703854-A-G.
Other names: c.2344-14A>G (NM_001195227.2); c.1171-14A>G (NM_001321282.2); c.2434-14A>G (NM_001321281.2); c.2257-14A>G (NM_001321283.2); c.1717-14A>G (NM_001321285.2).
Identifiers: ClinVar variation 668165 (VCV000668165.1), dbSNP rs1254858653, ClinGen allele CA633891001.
Genomic context (GRCh38, chr19:49,200,597, plus strand): 5'-GCGTGTTTTTGGGATATAGGGGTGGGGCCAGAGTAGGAAAGGGCGGGGCCAGACTCAGCC[A>G]CATCTCCCCACAGATGAAGGACGTGTTCTTCTTCCTCTTCTTCCTCGGCGTGTGGCTGGT-3'